The following is an entry in ClinVar:

NM_003900.5(SQSTM1):c.205+5del

Genes: SQSTM1 (sequestosome 1; plus strand), LOC129995449 (ATAC-STARR-seq lymphoblastoid silent region 16749; plus strand). Cytogenetic location: 5q35.3.
Variant type: Deletion.
Coding change: c.205+5del on transcript NM_003900.5 (MANE Select); 5 bases into the intron after coding-DNA position 205, one base deleted (G; older notation c.205+5delG).
Molecular consequence: intron variant.
Genome position (GRCh38, 1-based): chr5:179,821,146, G deleted. VCF-style (leftmost placement, unchanged base first): chr5-179821145-AG-A. GRCh37 (hg19) VCF-style: chr5-179248145-AG-A.
Other names: c.-47-1812del (NM_001142298.2, NM_001142299.2).
Identifiers: ClinVar variation 4849677 (VCV004849677.1).

ClinVar aggregate classification (germline): Uncertain significance (1 of 4 stars; one submission).

Conditions:
Neurodegeneration with ataxia, dystonia, and gaze palsy, childhood-onset (NADGP). Identifiers: MedGen C4310693, MONDO:0014940, OMIM 617145.

Submission:

Diagnostics Services (NGS), CSIR - Centre For Cellular And Molecular Biology
Classification: Uncertain significance for Neurodegeneration with ataxia, dystonia, and gaze palsy, childhood-onset. Last evaluated: 2026-03-18. Review status: criteria provided, single submitter. Criteria: ACMG Guidelines, 2015. Collection method: clinical testing. Allele origin: germline. Observed: 1 variant allele, 1 homozygote.
Comment: The c.205+5del variant is not present in publicly available population databases like 1000 Genomes, EVS, gnomAD, Indian Exome Database or our internal database. This variant has neither been published in the literature for SQSTM1-related conditions nor reported to clinical databases like Human Genome Mutation Database (HGMD), ClinVar or OMIM in any affected individuals. This variant is present near the exon-intron splice-junction of the gene (splice junction- 5 bp) and algorithms developed to predict the effect of sequence changes on RNA splicing suggest that this variant can disrupt the consensus splice site. In-silico pathogenicity prediction programs like HSF3.1, MutationTaster2021, CADD, Varsome etc predicted this variant to be likely deleterious however these predictions were not confirmed by published functional/translational studies.